The following is an entry in ClinVar:

ClinVar aggregate classification (germline): Uncertain significance (1 of 4 stars; one submission).

Allele frequency attached by ClinVar (database versions not stated): gnomAD exomes below 0.00001; TOPMed below 0.00001; gnomAD 0.00001.

Submission:

Women's Health and Genetics/Laboratory Corporation of America, LabCorp
Classification: Uncertain significance. Last evaluated: 2022-05-18. Review status: criteria provided, single submitter. Criteria: LabCorp Variant Classification Summary - May 2015. Collection method: clinical testing. Allele origin: germline.
Comment: Variant summary: POLR2A c.4223G>A (p.Arg1408His) results in a non-conservative amino acid change in the encoded protein sequence. Four of five in-silico tools predict a damaging effect of the variant on protein function. The variant was absent in 251446 control chromosomes. The available data on variant occurrences in the general population are insufficient to allow any conclusion about variant significance. To our knowledge, no occurrence of c.4223G>A in individuals affected with Neurodevelopmental Disorder With Hypotonia And Variable Intellectual And Behavioral Abnormalities and no experimental evidence demonstrating its impact on protein function have been reported. No clinical diagnostic laboratories have submitted clinical-significance assessments for this variant to ClinVar after 2014. Based on the evidence outlined above, the variant was classified as uncertain significance.

NM_000937.5(POLR2A):c.4223G>A (p.Arg1408His)

Genes: POLR2A (RNA polymerase II subunit A; plus strand), LOC126862482 (CDK7 strongly-dependent group 2 enhancer GRCh37_chr17:7414586-7415785; plus strand). Cytogenetic location: 17p13.1.
Variant type: single nucleotide variant.
Coding change: c.4223G>A on transcript NM_000937.5 (MANE Select); coding-DNA position 4223, G replaced by A.
Protein change: p.Arg1408His; replaces arginine 1408 with histidine.
Molecular consequence: missense variant.
Genome position (GRCh38, 1-based): chr17:7,511,932, G>A. VCF-style: chr17-7511932-G-A. GRCh37 (hg19) VCF-style: chr17-7415251-G-A.
Other names: short protein forms R1408H.
Identifiers: ClinVar variation 1696153 (VCV001696153.1), dbSNP rs1357998618, ClinGen allele CA397823429.